The following is an entry in ClinVar:

ClinVar aggregate classification (germline): Uncertain significance. Review status: criteria provided, multiple submitters, no conflicts (2 of 4 stars). 2 submissions from 2 submitters: Uncertain significance (2). Last evaluated 2026-07-07.

Conditions:
Cardiovascular phenotype. Identifiers: MedGen CN230736.
Hypertrophic cardiomyopathy. Also called: HYPERTROPHIC MYOCARDIOPATHY. Identifiers: Orphanet 217569, MedGen C0007194, MeSH D002312, MONDO:0005045, HP:0001639.

Allele frequency attached by ClinVar (database versions not stated): ExAC 0.00001.

Submissions (2):

Ambry Genetics
Classification: Uncertain significance for Cardiovascular phenotype. Last evaluated: 2026-07-07. Review status: criteria provided, single submitter. Criteria: Ambry Variant Classification Scheme 2023. Collection method: clinical testing. Allele origin: germline.
Comment: The p.K1166N variant (also known as c.3498G>C), located in coding exon 25 of the MYH7 gene, results from a G to C substitution at nucleotide position 3498. The lysine at codon 1166 is replaced by asparagine, an amino acid with similar properties. This amino acid position is conserved. In addition, the in silico prediction for this alteration is inconclusive. Based on the available evidence, the clinical significance of this variant remains unclear.

Labcorp Genetics (formerly Invitae), Labcorp
Classification: Uncertain significance for Hypertrophic cardiomyopathy. Last evaluated: 2024-02-17. Review status: criteria provided, single submitter. Criteria: Invitae Variant Classification Sherloc (09022015). Collection method: clinical testing. Allele origin: germline.
Comment: This sequence change replaces lysine, which is basic and polar, with asparagine, which is neutral and polar, at codon 1166 of the MYH7 protein (p.Lys1166Asn). This variant is present in population databases (rs755958710, gnomAD 0.006%). This variant has not been reported in the literature in individuals affected with MYH7-related conditions. ClinVar contains an entry for this variant (Variation ID: 1475250). Advanced modeling of protein sequence and biophysical properties (such as structural, functional, and spatial information, amino acid conservation, physicochemical variation, residue mobility, and thermodynamic stability) performed at Invitae indicates that this missense variant is expected to disrupt MYH7 protein function with a positive predictive value of 95%. In summary, the available evidence is currently insufficient to determine the role of this variant in disease. Therefore, it has been classified as a Variant of Uncertain Significance.

NM_000257.4(MYH7):c.3498G>C (p.Lys1166Asn)

Gene: MYH7 (myosin heavy chain 7; minus strand). Cytogenetic location: 14q11.2.
Variant type: single nucleotide variant.
Coding change: c.3498G>C on transcript NM_000257.4 (MANE Select); coding-DNA position 3498, G replaced by C.
Protein change: p.Lys1166Asn; replaces lysine 1166 with asparagine.
Molecular consequence: missense variant.
Genome position (GRCh38, 1-based): chr14:23,420,073, C>G on the plus strand (G>C on the coding strand, the complement: MYH7 is on the minus strand). VCF-style: chr14-23420073-C-G. GRCh37 (hg19) VCF-style: chr14-23889282-C-G.
Other names: short protein forms K1166N.
Identifiers: ClinVar variation 1475250 (VCV001475250.9), dbSNP rs755958710, ClinGen allele CA037643.